The following is an entry in ClinVar:

NM_015570.4(AUTS2):c.3714T>G (p.Thr1238=)

Gene: AUTS2 (activator of transcription and developmental regulator AUTS2; plus strand). Cytogenetic location: 7q11.22.
Variant type: single nucleotide variant.
Coding change: c.3714T>G on transcript NM_015570.4 (MANE Select); coding-DNA position 3714, T replaced by G.
Protein change: p.Thr1238=; no amino-acid change (threonine 1238 retained).
Molecular consequence: synonymous variant.
Genome position (GRCh38, 1-based): chr7:70,790,930, T>G. VCF-style: chr7-70790930-T-G. GRCh37 (hg19) VCF-style: chr7-70255916-T-G.
Other names: c.3642T>G, p.Thr1214= (NM_001127231.3).
Identifiers: ClinVar variation 1201771 (VCV001201771.27), dbSNP rs746227597, ClinGen allele CA4281411.
Genomic context (GRCh38, chr7:70,790,930, plus strand): 5'-CGCACCTCCCCCGCTCATCTCCACGCTGGGGGGCCGCCCGGTCTCTCCCAGAAGGACGAC[T>G]CCTCTGTCCGCAGAGATAAGGGAGAGGCCCCCTTCCCACACGCTGAAGGATATCGAGGCC-3'
Protein context (NP_056385.1, residues 1228-1248): GGRPVSPRRT[Thr1238=]PLSAEIRERP

ClinVar aggregate classification (germline): Likely benign. Review status: criteria provided, multiple submitters, no conflicts (2 of 4 stars). 2 submissions from 2 submitters: Likely benign (2). Last evaluated 2022-10-01.

Allele frequency attached by ClinVar (database versions not stated): ExAC 0.00001; gnomAD exomes 0.00001; TOPMed 0.00001; gnomAD 0.00003.
gnomAD v4.1: 13 of 1,553,274 alleles (0.00084%); highest among the groups gnomAD compares: African/African-American, 0.0027%; no homozygotes.

Submissions (2):

CeGaT Center for Human Genetics Tuebingen
Classification: Likely benign. Last evaluated: 2022-10-01. Review status: criteria provided, single submitter. Criteria: CeGaT Center For Human Genetics Tuebingen Variant Classification Criteria Version 2. Collection method: clinical testing. Allele origin: germline. Affected: yes. Observed: 1 variant allele.
Comment: AUTS2: BP4, BP7

GeneDx
Classification: Likely benign. Last evaluated: 2020-12-21. Review status: criteria provided, single submitter. Criteria: GeneDx Variant Classification Process June 2021. Collection method: clinical testing. Allele origin: germline. Affected: yes.